The following is an entry in ClinVar:

NM_005012.4(ROR1):c.2767G>A (p.Ala923Thr)

Gene: ROR1 (receptor tyrosine kinase like orphan receptor 1; plus strand). Cytogenetic location: 1p31.3.
Variant type: single nucleotide variant.
Coding change: c.2767G>A on transcript NM_005012.4 (MANE Select); coding-DNA position 2767, G replaced by A.
Protein change: p.Ala923Thr; replaces alanine 923 with threonine.
Molecular consequence: missense variant.
Genome position (GRCh38, 1-based): chr1:64,178,808, G>A. VCF-style: chr1-64178808-G-A. GRCh37 (hg19) VCF-style: chr1-64644491-G-A.
Other names: short protein forms A923T.
Identifiers: ClinVar variation 3790156 (VCV003790156.2).
Genomic context (GRCh38, chr1:64,178,808, plus strand): 5'-GGCAACAAATCTCAAAAACCCTACAAAATTGACTCAAAGCAAGCATCTTTACTAGGAGAC[G>A]CCAATATTCATGGACACACCGAATCTATGATTTCTGCAGAACTGTAAAATGCACAACTTT-3'
Protein context (NP_005003.2, residues 913-933): DSKQASLLGD[Ala923Thr]NIHGHTESMI

ClinVar aggregate classification (germline): Uncertain significance. Review status: criteria provided, multiple submitters, no conflicts (2 of 4 stars). 2 submissions from 2 submitters: Uncertain significance (2). Last evaluated 2025-11-21.

gnomAD v4.1: 29 of 1,613,890 alleles (0.0018%); highest among the groups gnomAD compares: Middle Eastern, 0.016%; no homozygotes.

Submissions (2):

Labcorp Genetics (formerly Invitae), Labcorp
Classification: Uncertain significance. Last evaluated: 2025-11-21. Review status: criteria provided, single submitter. Criteria: Invitae Variant Classification Sherloc (09022015). Collection method: clinical testing. Allele origin: germline.
Comment: This sequence change replaces alanine, which is neutral and non-polar, with threonine, which is neutral and polar, at codon 923 of the ROR1 protein (p.Ala923Thr). This variant is present in population databases (rs751628611, gnomAD 0.005%). This variant has not been reported in the literature in individuals affected with ROR1-related conditions. ClinVar contains an entry for this variant (Variation ID: 3790156). An algorithm developed to predict the effect of missense changes on protein structure and function outputs the following: PolyPhen-2: "Benign". The threonine amino acid residue is found in multiple mammalian species, which suggests that this missense change does not adversely affect protein function. In summary, the available evidence is currently insufficient to determine the role of this variant in disease. Therefore, it has been classified as a Variant of Uncertain Significance.

Ambry Genetics
Classification: Uncertain significance. Last evaluated: 2025-01-23. Review status: criteria provided, single submitter. Criteria: Ambry Variant Classification Scheme 2023. Collection method: clinical testing. Allele origin: germline.